The following is an entry in ClinVar:

NM_001080517.3(SETD5):c.1666G>A (p.Glu556Lys)

Gene: SETD5 (SET domain containing 5; plus strand). Cytogenetic location: 3p25.3.
Variant type: single nucleotide variant.
Coding change: c.1666G>A on transcript NM_001080517.3 (MANE Select); coding-DNA position 1666, G replaced by A.
Protein change: p.Glu556Lys; replaces glutamic acid 556 with lysine.
Molecular consequence: missense variant.
Genome position (GRCh38, 1-based): chr3:9,447,191, G>A. VCF-style: chr3-9447191-G-A. GRCh37 (hg19) VCF-style: chr3-9488875-G-A.
Other names: c.1372G>A, p.Glu458Lys (NM_001292043.2, NM_001349451.2); c.1762G>A, p.Glu588Lys (NM_001437633.1); c.1723G>A, p.Glu575Lys (NM_001437635.1); c.1666G>A, p.Glu556Lys (NM_001437643.1); c.1705G>A, p.Glu569Lys (NM_001437701.1); short protein forms E458K, E556K, E569K, E575K, E588K.
Identifiers: ClinVar variation 4536995 (VCV004536995.1).

ClinVar aggregate classification (germline): Uncertain significance (1 of 4 stars; one submission).

gnomAD v4.1: 1 of 1,614,024 alleles (0.000062%); highest among the groups gnomAD compares: Non-Finnish European, 0.000085%; no homozygotes.

Submission:

Women's Health and Genetics/Laboratory Corporation of America, LabCorp
Classification: Uncertain significance. Last evaluated: 2025-11-26. Review status: criteria provided, single submitter. Criteria: LabCorp Variant Classification Summary - May 2015. Collection method: clinical testing. Allele origin: germline.
Comment: Variant summary: SETD5 c.1666G>A (p.Glu556Lys) results in a conservative amino acid change in the encoded protein sequence. Algorithms developed to predict the effect of missense changes on protein structure and function are either unavailable or do not agree on the potential impact of this missense change. The variant allele was found at a frequency of 4e-06 in 249226 control chromosomes. The available data on variant occurrences in the general population are insufficient to allow any conclusion about variant significance. To our knowledge, no occurrence of c.1666G>A in individuals affected with SETD5-related conditions and no experimental evidence demonstrating its impact on protein function have been reported. No submitters have cited clinical-significance assessments for this variant to ClinVar. Based on the evidence outlined above, the variant was classified as uncertain significance.